The following is an entry in ClinVar:

ClinVar aggregate classification (germline): Uncertain significance (1 of 4 stars; one submission).

Submission:

GeneDx
Classification: Uncertain significance. Last evaluated: 2023-12-13. Review status: criteria provided, single submitter. Criteria: GeneDx Variant Classification Process June 2021. Collection method: clinical testing. Allele origin: germline. Affected: yes.
Comment: Not observed at significant frequency in large population cohorts (gnomAD); In silico analysis supports that this missense variant has a deleterious effect on protein structure/function; Has not been previously published as pathogenic or benign to our knowledge

NM_004006.3(DMD):c.10009T>A (p.Cys3337Ser)

Gene: DMD (dystrophin; minus strand). Cytogenetic location: Xp21.2.
Variant type: single nucleotide variant.
Coding change: c.10009T>A on transcript NM_004006.3 (MANE Select); coding-DNA position 10009, T replaced by A.
Protein change: p.Cys3337Ser; replaces cysteine 3337 with serine.
Molecular consequence: missense variant.
Genome position (GRCh38, 1-based): chrX:31,180,447, A>T on the plus strand (T>A on the coding strand, the complement: DMD is on the minus strand). VCF-style: chrX-31180447-A-T. GRCh37 (hg19) VCF-style: chrX-31198564-A-T.
Other names: c.9985T>A, p.Cys3329Ser (NM_000109.4); c.9997T>A, p.Cys3333Ser (NM_004009.3); c.9640T>A, p.Cys3214Ser (NM_004010.3); c.5986T>A, p.Cys1996Ser (NM_004011.4); c.5977T>A, p.Cys1993Ser (NM_004012.4); c.2629T>A, p.Cys877Ser (NM_004013.3, NM_004020.4, NM_004021.3 and 2 more transcripts); c.1822T>A, p.Cys608Ser (NM_004014.3); c.805T>A, p.Cys269Ser (NM_004015.3, NM_004016.3, NM_004017.3 and 2 more transcripts); short protein forms C1993S, C1996S, C269S, C3214S, C3329S, C3333S, C3337S, C608S.
Identifiers: ClinVar variation 3365656 (VCV003365656.1).
Genomic context (GRCh38, chrX:31,180,447, plus strand): 5'-CCATGGGATAGTGCATTTTATGGCCTTTTGCAACTCGACCAGAAAAAAAGCAGCTTTGGC[A>T]GATGTCATAATTAAAGTGCTTTAGACTCCTGTACCTGATAAAGAGCAAAAACAAACACGT-3'
Protein context (NP_003997.2, residues 3327-3347): RSLKHFNYDI[Cys3337Ser]QSCFFSGRVA